The following is an entry in ClinVar:

NM_001128148.3(TFRC):c.1555G>A (p.Gly519Arg)

Gene: TFRC (transferrin receptor; minus strand). Cytogenetic location: 3q29.
Variant type: single nucleotide variant.
Coding change: c.1555G>A on transcript NM_001128148.3 (MANE Select); coding-DNA position 1555, G replaced by A.
Protein change: p.Gly519Arg; replaces glycine 519 with arginine.
Molecular consequence: missense variant.
Genome position (GRCh38, 1-based): chr3:196,058,614, C>T on the plus strand (G>A on the coding strand, the complement: TFRC is on the minus strand). VCF-style: chr3-196058614-C-T. GRCh37 (hg19) VCF-style: chr3-195785485-C-T.
Other names: c.1312G>A, p.Gly438Arg (NM_001313965.2); c.709G>A, p.Gly237Arg (NM_001313966.2); c.1555G>A, p.Gly519Arg (NM_003234.4); short protein forms G519R, G237R, G438R.
Identifiers: ClinVar variation 3672147 (VCV003672147.2).

ClinVar aggregate classification (germline): Uncertain significance (1 of 4 stars; one submission).

Submission:

Labcorp Genetics (formerly Invitae), Labcorp
Classification: Uncertain significance. Last evaluated: 2025-01-24. Review status: criteria provided, single submitter. Criteria: Invitae Variant Classification Sherloc (09022015). Collection method: clinical testing. Allele origin: germline.
Comment: This sequence change replaces glycine, which is neutral and non-polar, with arginine, which is basic and polar, at codon 519 of the TFRC protein (p.Gly519Arg). This variant is not present in population databases (gnomAD no frequency). This variant has not been reported in the literature in individuals affected with TFRC-related conditions. Invitae Evidence Modeling of protein sequence and biophysical properties (such as structural, functional, and spatial information, amino acid conservation, physicochemical variation, residue mobility, and thermodynamic stability) indicates that this missense variant is not expected to disrupt TFRC protein function with a negative predictive value of 80%. In summary, the available evidence is currently insufficient to determine the role of this variant in disease. Therefore, it has been classified as a Variant of Uncertain Significance.